The following is an entry in ClinVar:

ClinVar aggregate classification (germline): Pathogenic (1 of 4 stars; one submission).

Conditions:
Diamond-Blackfan anemia 6 (DBA6). Also called: RPL5-Related Diamond-Blackfan Anemia. Identifiers: Orphanet 124, MedGen C2931850, MONDO:0012937, OMIM 612561.

Submission:

Rady Children's Institute for Genomic Medicine, Rady Children's Hospital San Diego
Classification: Pathogenic for DIAMOND-BLACKFAN ANEMIA 6. Last evaluated: 2018-09-25. Review status: criteria provided, single submitter. Criteria: ACMG Guidelines, 2015. Collection method: clinical testing. Allele origin: germline. Affected: yes. Observed: 1 variant allele.
Comment: This frameshift variant in exon 6 of 8 introduces a premature stop codon and is therefore predicted to result in loss of normal protein function. This variant has been previously reported as a de novo change in an individual with Diamond-Blackfan Anemia (PMID: 19773262). It is absent from the ExAC and gnomAD population databases and thus is presumed to be rare. Based on the available evidence, the c.692dupT (p.Thr232AsnfsTer10) variant is classified as pathogenic.

NM_000969.5(RPL5):c.692dup (p.Thr232fs)

Genes: DIPK1A (divergent protein kinase domain 1A; minus strand), RPL5 (ribosomal protein L5; plus strand). Cytogenetic location: 1p22.1.
Variant type: Duplication.
Coding change: c.692dup on transcript NM_000969.5 (MANE Select); coding-DNA position 692, one base duplicated (T; older notation c.692dupT).
Protein change: p.Thr232fs; shifts the reading frame from threonine 232.
Molecular consequence: frameshift variant. On other transcripts: non-coding transcript variant (1), intron variant (1).
Genome position (GRCh38, 1-based): chr1:92,837,620, T duplicated. VCF-style (leftmost placement, unchanged base first): chr1-92837619-G-GT. GRCh37 (hg19) VCF-style: chr1-93303176-G-GT.
Other names: c.475-4586dup (NM_001252273.2); short protein forms T232fs.
Identifiers: ClinVar variation 692051 (VCV000692051.3), dbSNP rs1571032029, ClinGen allele CA915941317.